The following is an entry in ClinVar:

NM_031844.3(HNRNPU):c.32_35del (p.Leu11fs)

Gene: HNRNPU (heterogeneous nuclear ribonucleoprotein U; minus strand). Cytogenetic location: 1q44.
Variant type: Deletion.
Coding change: c.32_35del on transcript NM_031844.3 (MANE Select); coding-DNA positions 32 to 35, 4 bases deleted (TGAA; older notation c.32_35delTGAA).
Protein change: p.Leu11fs; shifts the reading frame from leucine 11.
Molecular consequence: frameshift variant.
Genome position (GRCh38, 1-based): chr1:244,864,273-244,864,276, TTCA deleted on the plus strand (TGAA on the coding strand, the reverse complement: HNRNPU is on the minus strand). VCF-style (leftmost placement, unchanged base first): chr1-244864272-CTTCA-C. GRCh37 (hg19) VCF-style: chr1-245027574-CTTCA-C.
Other names: c.32_35del, p.Leu11fs (NM_004501.3); short protein forms L11fs.
Identifiers: ClinVar variation 2444345 (VCV002444345.1), dbSNP rs2527896376, ClinGen allele CA2580063552.
Genomic context (GRCh38, chr1:244,864,272, plus strand): 5'-GGCCTTGAGACCCTTGTCAGAAAGGCGTCGCTTCTTGAGCTCCTCTTTCAGCTCCGACAC[CTTCA>C]GCTTTTTTACATTAACAGGCGAGGAACTCATGGTGAGGGCCCCGATTCACCGCTAGGCGC-3'

ClinVar aggregate classification (germline): Likely pathogenic (1 of 4 stars; one submission).

Conditions:
Developmental and epileptic encephalopathy, 54. Also called: HNRNPU-Related Neurodevelopmental Disorder; Epileptic encephalopathy, early infantile, 54. Identifiers: MedGen C4479319, MONDO:0033363, OMIM 617391.

Submission:

3billion
Classification: Likely pathogenic for Developmental and epileptic encephalopathy, 54. Last evaluated: 2023-02-23. Review status: criteria provided, single submitter. Criteria: ACMG Guidelines, 2015. Collection method: clinical testing. Allele origin: unknown. Affected: yes.
Comment: The variant is not observed in the gnomAD v2.1.1 dataset. This variant was predicted to result in a loss or disruption of normal protein function through nonsense-mediated decay (NMD) or protein truncation. Multiple pathogenic variants are reported downstream of the variant. Therefore, this variant is classified as Likely pathogenic according to the recommendation of ACMG/AMP guideline.